The following is an entry in ClinVar:

NM_000789.4(ACE):c.2642-1G>A

Gene: ACE (angiotensin I converting enzyme; plus strand). Cytogenetic location: 17q23.3.
Variant type: single nucleotide variant.
Coding change: c.2642-1G>A on transcript NM_000789.4 (MANE Select); the canonical splice acceptor site of the intron before coding-DNA position 2642, G replaced by A.
Molecular consequence: splice acceptor variant.
Genome position (GRCh38, 1-based): chr17:63,490,953, G>A. VCF-style: chr17-63490953-G-A. GRCh37 (hg19) VCF-style: chr17-61568314-G-A.
Other names: c.1790-1G>A (NM_001382701.1); c.2075-1G>A (NM_001382700.1); c.920-1G>A (NM_152830.3, NM_001178057.2); c.380-1G>A (NM_001382702.1).
Identifiers: ClinVar variation 375298 (VCV000375298.2), dbSNP rs778390161, ClinGen allele CA8700191.

ClinVar aggregate classification (germline): Likely pathogenic (1 of 4 stars; one submission).

Conditions:
Renal tubular dysgenesis. Also called: Renotubular dysgenesis. Identifiers: Orphanet 3033, MedGen C0266313, MONDO:0017609, HP:0008660.

Allele frequency attached by ClinVar (database versions not stated): gnomAD below 0.00001 and 0.00001; gnomAD exomes below 0.00001; ExAC 0.00001.

Submission:

Diagnostics Division, CENTRE FOR DNA FINGERPRINTING AND DIAGNOSTICS
Classification: Likely pathogenic for Renal tubular dysgenesis of genetic origin. Last evaluated: 2016-01-01. Review status: criteria provided, single submitter. Criteria: ACMG Guidelines, 2015. Collection method: research. Allele origin: germline. Affected: yes. Observed: 1 homozygote.
Comment: Splice-site variant